The following is an entry in ClinVar:

NM_021096.4(CACNA1I):c.1635G>A (p.Thr545=)

Gene: CACNA1I (calcium voltage-gated channel subunit alpha1 I; plus strand). Cytogenetic location: 22q13.1.
Variant type: single nucleotide variant.
Coding change: c.1635G>A on transcript NM_021096.4 (MANE Select); coding-DNA position 1635, G replaced by A.
Protein change: p.Thr545=; no amino-acid change (threonine 545 retained).
Molecular consequence: synonymous variant.
Genome position (GRCh38, 1-based): chr22:39,649,568, G>A. VCF-style: chr22-39649568-G-A. GRCh37 (hg19) VCF-style: chr22-40045573-G-A.
Other names: c.1635G>A (NM_021096.3); c.1530G>A, p.Thr510= (NM_001003406.2).
Identifiers: ClinVar variation 932720 (VCV000932720.41), dbSNP rs752806605, ClinGen allele CA10243907.
Genomic context (GRCh38, chr22:39,649,568, plus strand): 5'-CCCGCAACATAGCCCCCTGGATGCGACGCCCCACACCCTGGTGCAGCCCATCCCCGCCAC[G>A]CTGGCTTCCGATCCCGCCAGCTGCCCTTGCTGCCAGCATGAGGACGGCCGGCGGCCCTCG-3'
Protein context (NP_066919.2, residues 535-555): PHTLVQPIPA[Thr545=]LASDPASCPC

ClinVar aggregate classification (germline): Likely benign. Review status: criteria provided, multiple submitters, no conflicts (2 of 4 stars). 3 submissions from 3 submitters: Likely benign (2). 1 of the submissions does not count toward it. Last evaluated 2024-11-26.

Conditions:
CACNA1I-related disorder. Also called: CACNA1I-related condition.

Allele frequency attached by ClinVar (database versions not stated): gnomAD 0.00027; TOPMed 0.00037; gnomAD exomes 0.00047; ExAC 0.00079.
gnomAD v4.1: 601 of 1,549,222 alleles (0.039%); highest among the groups gnomAD compares: Non-Finnish European, 0.035%; 1 homozygote.

Submissions (3):

Blueprint Genetics
Classification: Likely benign. Last evaluated: 2024-11-26. Review status: criteria provided, single submitter. Criteria: ACMG Guidelines, 2015. Collection method: clinical testing. Allele origin: germline.

CeGaT Center for Human Genetics Tuebingen
Classification: Likely benign. Last evaluated: 2023-03-01. Review status: criteria provided, single submitter. Criteria: CeGaT Center For Human Genetics Tuebingen Variant Classification Criteria Version 2. Collection method: clinical testing. Allele origin: germline. Affected: yes. Observed: 2 variant alleles.
Comment: CACNA1I: BP4, BP7

PreventionGenetics, part of Exact Sciences
Classification: Likely benign for CACNA1I-related condition. Last evaluated: 2019-09-10. Review status: no assertion criteria provided. Collection method: clinical testing. Allele origin: germline. Not counted in ClinVar's aggregate classification.
Comment: This variant is classified as likely benign based on ACMG/AMP sequence variant interpretation guidelines (Richards et al. 2015 PMID: 25741868, with internal and published modifications).